The following is an entry in ClinVar:

NM_001845.6(COL4A1):c.*32G>A

Gene: COL4A1 (collagen type IV alpha 1 chain; minus strand). Cytogenetic location: 13q34.
Variant type: single nucleotide variant.
Coding change: c.*32G>A on transcript NM_001845.6 (MANE Select); 32 bases downstream of the stop codon, G replaced by A.
Molecular consequence: 3 prime UTR variant.
Genome position (GRCh38, 1-based): chr13:110,150,331, C>T on the plus strand (G>A on the coding strand, the complement: COL4A1 is on the minus strand). VCF-style: chr13-110150331-C-T. GRCh37 (hg19) VCF-style: chr13-110802678-C-T.
Other names: +32G-A, 3-PRIME UTR.
Identifiers: ClinVar variation 689435 (VCV000689435.5), dbSNP rs1876439052, ClinGen allele CA2499221944.

ClinVar aggregate classification (germline): Pathogenic/Likely pathogenic. Review status: criteria provided, multiple submitters, no conflicts (2 of 4 stars). 3 submissions from 3 submitters: Pathogenic (1); Likely pathogenic (1). 1 of the submissions does not count toward it. Last evaluated 2023-09-21.

Conditions:
Brain small vessel disease 1 with or without ocular anomalies (BSVD1). Also called: Brain small vessel disease with or without ocular anomalies; PORENCEPHALY, TYPE 1, AUTOSOMAL DOMINANT; BRAIN SMALL VESSEL DISEASE WITH HEMORRHAGE; GOULD SYNDROME 1. Identifiers: Orphanet 2940, Orphanet 36383, Orphanet 99810, MedGen C4755307, MONDO:0008289, OMIM 175780.
COL4A1-related disorder. Also called: COL4A1-related disorders; COL4A1-related condition. Identifiers: MedGen CN376119, MONDO:0800461.
Microangiopathy and leukoencephalopathy, pontine, autosomal dominant. Also called: Pontine autosomal dominant microangiopathy with leukoencephalopathy; DEMENTIA, HEREDITARY MULTI-INFARCT, SWEDISH TYPE. Identifiers: Orphanet 477749, MedGen C5231411, MONDO:0032814, OMIM 618564.

Submissions (3):

Blueprint Genetics
Classification: Pathogenic for COL4A1-related disorders. Last evaluated: 2023-09-21. Review status: criteria provided, single submitter. Criteria: ACMG Guidelines, 2015. Collection method: clinical testing. Allele origin: germline. Affected: yes. Observed: 1 variant allele.

Foundation for Research in Genetics and Endocrinology, FRIGE's Institute of Human Genetics
Classification: Likely pathogenic for Brain small vessel disease 1 with or without ocular anomalies. Last evaluated: 2022-09-22. Review status: criteria provided, single submitter. Criteria: ACMG Guidelines, 2015. Collection method: clinical testing. Allele origin: germline. Inheritance: Autosomal dominant inheritance. Affected: yes. Observed: 1 heterozygote.
Comment: A heterozygous 3’UTR variation in the COL4A1 gene was detected. The observed variation has previously been reported in patients affected with Pontine microangiopathy and leukoencephalopathy . This variant has not been reported in 1000 genomes and gnomAD databases and in our internal database. The in silico prediction# of the variant is damaging by MutationTaster2. The reference base is conserved across species.

OMIM
Classification: Pathogenic for MICROANGIOPATHY AND LEUKOENCEPHALOPATHY, PONTINE, AUTOSOMAL DOMINANT. Last evaluated: 2019-09-06. Review status: no assertion criteria provided. Collection method: literature only. Allele origin: germline. Not counted in ClinVar's aggregate classification.

Literature cited by the submitters: PubMed 906807 (cited by OMIM); PubMed 28369186 (cited by OMIM).